The following is an entry in ClinVar:

NM_017534.6(MYH2):c.5651A>C (p.Tyr1884Ser)

Genes: MYH2 (myosin heavy chain 2; minus strand), MYHAS (myosin heavy chain gene cluster antisense RNA; plus strand). Cytogenetic location: 17p13.1.
Variant type: single nucleotide variant.
Coding change: c.5651A>C on transcript NM_017534.6 (MANE Select); coding-DNA position 5651, A replaced by C.
Protein change: p.Tyr1884Ser; replaces tyrosine 1884 with serine.
Molecular consequence: missense variant.
Genome position (GRCh38, 1-based): chr17:10,523,112, T>G on the plus strand (A>C on the coding strand, the complement: MYH2 is on the minus strand). VCF-style: chr17-10523112-T-G. GRCh37 (hg19) VCF-style: chr17-10426429-T-G.
Other names: c.5651A>C, p.Tyr1884Ser (NM_001100112.2); short protein forms Y1884S.
Identifiers: ClinVar variation 2572621 (VCV002572621.1), dbSNP rs779103482, ClinGen allele CA398113570.
Genomic context (GRCh38, chr17:10,523,112, plus strand): 5'-TAGCTTAATTTGAGGACTTCAATCTTAAAAATACTTACAGCCTCCTCAGCTTGTCTCTTA[T>G]AAGATTTCACTTTTGCCTGAAGTTTATCTACCAAATCTTGAAGCCTGAGAATATTCTTTC-3'
Protein context (NP_060004.3, residues 1874-1894): VDKLQAKVKS[Tyr1884Ser]KRQAEEAEEQ

ClinVar aggregate classification (germline): Likely pathogenic (1 of 4 stars; one submission).

Conditions:
Myopathy, proximal, and ophthalmoplegia (CMYO6). Also called: CONGENITAL MYOPATHY 6 WITH OPHTHALMOPLEGIA; MYOPATHY WITH CONGENITAL JOINT CONTRACTURES, OPHTHALMOPLEGIA, AND RIMMED VACUOLES; INCLUSION BODY MYOPATHY 3, AUTOSOMAL DOMINANT. Identifiers: Orphanet 363677, Orphanet 79091, MedGen C1854106, MONDO:0011577, OMIM 605637.

Submission:

Laboratory of Medical Genetics, National & Kapodistrian University of Athens
Classification: Likely pathogenic for Myopathy, proximal, and ophthalmoplegia. Last evaluated: 2023-02-17. Review status: criteria provided, single submitter. Criteria: ACMG Guidelines, 2015. Collection method: clinical testing. Allele origin: de novo. Affected: yes.
Comment: PS2, PM2, PP3